The following is an entry in ClinVar:

NM_000059.4(BRCA2):c.1459G>A (p.Ala487Thr)

Gene: BRCA2 (BRCA2 DNA repair associated; plus strand). Cytogenetic location: 13q13.1.
Variant type: single nucleotide variant.
Coding change: c.1459G>A on transcript NM_000059.4 (MANE Select); coding-DNA position 1459, G replaced by A.
Protein change: p.Ala487Thr; replaces alanine 487 with threonine.
Molecular consequence: missense variant. On other transcripts: non-coding transcript variant (1), intron variant (1).
Genome position (GRCh38, 1-based): chr13:32,332,937, G>A. VCF-style: chr13-32332937-G-A. GRCh37 (hg19) VCF-style: chr13-32907074-G-A.
Other names: c.1459G>A, p.Ala487Thr (NM_001406721.1, NM_001432077.1, NM_001406719.1 and 1 more transcripts); c.424+1907G>A (NM_001406722.1); short protein forms A487T.
Identifiers: ClinVar variation 3636425 (VCV003636425.2).

ClinVar aggregate classification (germline): Uncertain significance (1 of 4 stars; one submission).

Conditions:
Hereditary breast ovarian cancer syndrome. Also called: Hereditary breast and ovarian cancer syndrome; Hereditary breast and ovarian cancer syndrome (HBOC); BRCA1- and BRCA2-Associated Hereditary Breast and Ovarian Cancer; Hereditary breast and ovarian cancer; Breast and ovarian cancer; Hereditary breast and/or ovarian cancer syndrome. Identifiers: Orphanet 145, MedGen C0677776, MeSH D061325, MONDO:0003582. Disease mechanism: loss of function.

Submission:

Labcorp Genetics (formerly Invitae), Labcorp
Classification: Uncertain significance for Hereditary breast ovarian cancer syndrome. Last evaluated: 2024-03-02. Review status: criteria provided, single submitter. Criteria: Invitae Variant Classification Sherloc (09022015). Collection method: clinical testing. Allele origin: germline.
Comment: This sequence change replaces alanine, which is neutral and non-polar, with threonine, which is neutral and polar, at codon 487 of the BRCA2 protein (p.Ala487Thr). This variant is not present in population databases (gnomAD no frequency). This variant has not been reported in the literature in individuals affected with BRCA2-related conditions. Advanced modeling of protein sequence and biophysical properties (such as structural, functional, and spatial information, amino acid conservation, physicochemical variation, residue mobility, and thermodynamic stability) performed at Invitae indicates that this missense variant is not expected to disrupt BRCA2 protein function with a negative predictive value of 95%. In summary, the available evidence is currently insufficient to determine the role of this variant in disease. Therefore, it has been classified as a Variant of Uncertain Significance.